The following is an entry in ClinVar:

ClinVar aggregate classification (germline): Benign/Likely benign. Review status: criteria provided, multiple submitters, no conflicts (2 of 4 stars). 3 submissions from 3 submitters: Benign (1); Likely benign (2). Last evaluated 2025-06-03.

Allele frequency attached by ClinVar (database versions not stated): ESP Exome Variant Server 0.00569; gnomAD exomes 0.01581; gnomAD 0.01876 and 0.02250; TOPMed 0.02945; 1000 Genomes Project 30x 0.06527; 1000 Genomes Project 0.06530.
gnomAD v4.1: 26,601 of 1,595,208 alleles (1.7%); highest among the groups gnomAD compares: East Asian, 22%; 1,596 homozygotes.

Submissions (3):

Labcorp Genetics (formerly Invitae), Labcorp
Classification: Benign. Last evaluated: 2025-06-03. Review status: criteria provided, single submitter. Criteria: Invitae Variant Classification Sherloc (09022015). Collection method: clinical testing. Allele origin: germline.

GeneDx
Classification: Likely benign. Last evaluated: 2019-06-09. Review status: criteria provided, single submitter. Criteria: GeneDx Variant Classification Process June 2021. Collection method: clinical testing. Allele origin: germline. Affected: yes.
Comment: This variant is associated with the following publications: (PMID: 21822670)

Breakthrough Genomics
Classification: Likely benign. Review status: criteria provided, single submitter. Criteria: ACMG Guidelines, 2015. Collection method: not provided. Allele origin: germline. Inheritance: Unknown mechanism. Affected: yes.

NC_000003.12:g.14178939C>T

Genes: LSM3 (LSM3 homolog, U6 small nuclear RNA and mRNA degradation associated; plus strand), XPC (XPC complex subunit, DNA damage recognition and repair factor; minus strand). Cytogenetic location: 3p25.1.
Variant type: single nucleotide variant.
Molecular consequence: intron variant (on NM_014463.3).
Genome position: GRCh38 VCF-style: chr3-14178939-C-T. GRCh37 (hg19) VCF-style: chr3-14220439-C-T.
Other names: c.21+58C>T (NM_014463.3).
Identifiers: ClinVar variation 1167092 (VCV001167092.13), dbSNP rs3731055, ClinGen allele CA15255218.